The following is an entry in ClinVar:

NM_001966.4(EHHADH):c.1608G>A (p.Gly536=)

Gene: EHHADH (enoyl-CoA hydratase and 3-hydroxyacyl CoA dehydrogenase; minus strand). Cytogenetic location: 3q27.2.
Variant type: single nucleotide variant.
Coding change: c.1608G>A on transcript NM_001966.4 (MANE Select); coding-DNA position 1608, G replaced by A.
Protein change: p.Gly536=; no amino-acid change (glycine 536 retained).
Molecular consequence: synonymous variant.
Genome position (GRCh38, 1-based): chr3:185,192,790, C>T on the plus strand (G>A on the coding strand, the complement: EHHADH is on the minus strand). VCF-style: chr3-185192790-C-T. GRCh37 (hg19) VCF-style: chr3-184910578-C-T.
Other names: c.1320G>A, p.Gly440= (NM_001166415.2).
Identifiers: ClinVar variation 501681 (VCV000501681.13), dbSNP rs141355337, ClinGen allele CA2738947.

ClinVar aggregate classification (germline): Conflicting classifications of pathogenicity. Review status: criteria provided, conflicting classifications (1 of 4 stars). 4 submissions from 4 submitters: Uncertain significance (1); Benign (1); Likely benign (1). 1 of the submissions does not count toward it. Last evaluated 2026-06-01.

Conditions:
EHHADH-related disorder. Also called: EHHADH-related condition.

Allele frequency attached by ClinVar (database versions not stated): ESP Exome Variant Server 0.00008; gnomAD exomes 0.00009 and 0.00047; gnomAD 0.00012 and 0.00013; TOPMed 0.00022; ExAC 0.00034.

Submissions (4):

CeGaT Center for Human Genetics Tuebingen
Classification: Likely benign. Last evaluated: 2026-06-01. Review status: criteria provided, single submitter. Criteria: CeGaT Center For Human Genetics Tuebingen Variant Classification Criteria Version 2. Collection method: clinical testing. Allele origin: germline. Affected: yes. Observed: 1 variant allele.
Comment: EHHADH: BP4, BP7

Labcorp Genetics (formerly Invitae), Labcorp
Classification: Benign. Last evaluated: 2018-06-18. Review status: criteria provided, single submitter. Criteria: Invitae Variant Classification Sherloc (09022015). Collection method: clinical testing. Allele origin: germline.

Eurofins Ntd Llc (ga)
Classification: Uncertain significance. Last evaluated: 2018-03-08. Review status: criteria provided, single submitter. Criteria: EGL ClinVar v180209 classification definitions. Collection method: clinical testing. Allele origin: germline. Observed: 3 variant alleles, 3 heterozygotes.

PreventionGenetics, part of Exact Sciences
Classification: Likely benign for EHHADH-related condition. Last evaluated: 2022-01-17. Review status: no assertion criteria provided. Collection method: clinical testing. Allele origin: germline. Not counted in ClinVar's aggregate classification.
Comment: This variant is classified as likely benign based on ACMG/AMP sequence variant interpretation guidelines (Richards et al. 2015 PMID: 25741868, with internal and published modifications).